The following is an entry in ClinVar:

NM_001164508.2(NEB):c.7536+5G>A

Gene: NEB (nebulin; minus strand). Cytogenetic location: 2q23.3.
Variant type: single nucleotide variant.
Coding change: c.7536+5G>A on transcript NM_001164508.2 (MANE Select); 5 bases into the intron after coding-DNA position 7536, G replaced by A.
Molecular consequence: intron variant.
Genome position (GRCh38, 1-based): chr2:151,646,125, C>T on the plus strand (G>A on the coding strand, the complement: NEB is on the minus strand). VCF-style: chr2-151646125-C-T. GRCh37 (hg19) VCF-style: chr2-152502639-C-T.
Other names: c.7536+5G>A (NM_004543.5, NM_001164507.2, NM_001271208.2).
Identifiers: ClinVar variation 3354895 (VCV003354895.2).

ClinVar aggregate classification (germline): Uncertain significance. Review status: criteria provided, multiple submitters, no conflicts (2 of 4 stars). 2 submissions from 2 submitters: Uncertain significance (2). Last evaluated 2026-05-21.

Conditions:
NEB-related disorder. Also called: NEB-Related Disorders; NEB-related condition.
Nemaline myopathy 2 (NEM2). Also called: Nemaline myopathy 2, autosomal recessive. Identifiers: MedGen C1850569, MONDO:0009725, OMIM 256030.

Submissions (2):

PreventionGenetics, part of Exact Sciences
Classification: Uncertain significance for NEB-related condition. Last evaluated: 2026-05-21. Review status: criteria provided, single submitter. Criteria: ACMG Guidelines, 2015. Collection method: clinical testing. Allele origin: germline.
Comment: The NEB c.7536+5G>A variant is predicted to interfere with splicing. This variant is predicted to alter splicing based on available splicing prediction programs (SpliceAI, Jaganathan et al. 2019. PubMed ID: 30661751). This variant has been reported along with a frameshift variant in a patient with nemaline myopathy, but the phase of the variants (cis or trans) was not specified (Moreno et al. 2023. PubMed ID: 36714460; Supplemental eTable 2). This variant has not been reported in a large population database (gnomAD), indicating this variant is rare. Although we suspect that this variant may be pathogenic, at this time, the clinical significance of this variant is uncertain due to the absence of conclusive functional and genetic evidence.

Myriad Genetics, Inc.
Classification: Uncertain significance for Nemaline myopathy 2. Last evaluated: 2026-03-26. Review status: criteria provided, single submitter. Criteria: Myriad Autosomal Dominant, Autosomal Recessive and X-Linked Classification Criteria (2023). Collection method: clinical testing. Allele origin: unknown.
Comment: NM_001271208.1(NEB):c.7536+5G>A is an intronic variant classified as a variant of uncertain significance in the context of NEB-related nemaline myopathy. c.7536+5G>A has been observed in a case with relevant disease (PMID: 36714460). Relevant functional assessments of this variant are not available in the literature. c.7536+5G>A has not been observed in referenced population frequency databases. In summary, there is insufficient evidence to classify NM_001271208.1(NEB):c.7536+5G>A as pathogenic or benign. Please note: this variant was assessed in the context of healthy population screening.

Literature cited by the submitters: PubMed 36714460 (cited by Myriad Genetics, Inc.).